The following is an entry in ClinVar:

ClinVar aggregate classification (germline): Uncertain significance (1 of 4 stars; one submission).

Allele frequency attached by ClinVar (database versions not stated): gnomAD exomes below 0.00001.
gnomAD v4.1: 1 of 1,614,166 alleles (0.000062%); highest among the groups gnomAD compares: Non-Finnish European, 0.000085%; no homozygotes.

Submission:

Labcorp Genetics (formerly Invitae), Labcorp
Classification: Uncertain significance. Last evaluated: 2025-09-08. Review status: criteria provided, single submitter. Criteria: Invitae Variant Classification Sherloc (09022015). Collection method: clinical testing. Allele origin: germline.
Comment: This sequence change replaces serine, which is neutral and polar, with phenylalanine, which is neutral and non-polar, at codon 2018 of the SZT2 protein (p.Ser2018Phe). This variant is not present in population databases (gnomAD no frequency). This variant has not been reported in the literature in individuals affected with SZT2-related conditions. ClinVar contains an entry for this variant (Variation ID: 2130367). Invitae Evidence Modeling of protein sequence and biophysical properties (such as structural, functional, and spatial information, amino acid conservation, physicochemical variation, residue mobility, and thermodynamic stability) has been performed for this missense variant. However, the output from this modeling did not meet the statistical confidence thresholds required to predict the impact of this variant on SZT2 protein function. In summary, the available evidence is currently insufficient to determine the role of this variant in disease. Therefore, it has been classified as a Variant of Uncertain Significance.

NM_001365999.1(SZT2):c.6224C>T (p.Ser2075Phe)

Gene: SZT2 (SZT2 subunit of KICSTOR complex; plus strand). Cytogenetic location: 1p34.2.
Variant type: single nucleotide variant.
Coding change: c.6224C>T on transcript NM_001365999.1 (MANE Select); coding-DNA position 6224, C replaced by T.
Protein change: p.Ser2075Phe; replaces serine 2075 with phenylalanine.
Molecular consequence: missense variant.
Genome position (GRCh38, 1-based): chr1:43,437,442, C>T. VCF-style: chr1-43437442-C-T. GRCh37 (hg19) VCF-style: chr1-43903113-C-T.
Other names: c.6053C>T, p.Ser2018Phe (NM_015284.4); short protein forms S2018F, S2075F.
Identifiers: ClinVar variation 2130367 (VCV002130367.4), dbSNP rs2545841150, ClinGen allele CA340028831.